The following is an entry in ClinVar:

NM_001267550.2(TTN):c.107593G>A (p.Glu35865Lys)

Genes: TTN-AS1 (TTN antisense RNA 1; plus strand), TTN (titin; minus strand). Cytogenetic location: 2q31.2.
Variant type: single nucleotide variant.
Coding change: c.107593G>A on transcript NM_001267550.2 (MANE Select); coding-DNA position 107593, G replaced by A.
Protein change: p.Glu35865Lys; replaces glutamic acid 35865 with lysine.
Molecular consequence: missense variant.
Genome position (GRCh38, 1-based): chr2:178,527,533, C>T on the plus strand (G>A on the coding strand, the complement: TTN is on the minus strand). VCF-style: chr2-178527533-C-T. GRCh37 (hg19) VCF-style: chr2-179392260-C-T.
Other names: c.102670G>A, p.Glu34224Lys (NM_001256850.1); c.80398G>A, p.Glu26800Lys (NM_003319.4); c.99889G>A, p.Glu33297Lys (NM_133378.4); c.80773G>A, p.Glu26925Lys (NM_133432.3); c.80974G>A, p.Glu26992Lys (NM_133437.4); c.107593G>A (NM_001267550.1); short protein forms E33297K, E35865K, E34224K, E26925K, E26992K, E26800K.
Identifiers: ClinVar variation 502239 (VCV000502239.24), dbSNP rs372841288, ClinGen allele CA1984925.

ClinVar aggregate classification (germline): Uncertain significance. Review status: criteria provided, multiple submitters, no conflicts (2 of 4 stars). 8 submissions from 8 submitters: Uncertain significance (5). 3 of the submissions do not count toward it. Last evaluated 2025-01-01.

Conditions:
Cardiovascular phenotype. Identifiers: MedGen CN230736.
Autosomal recessive limb-girdle muscular dystrophy type 2J (LGMDR10). Also called: MUSCULAR DYSTROPHY, LIMB-GIRDLE, AUTOSOMAL RECESSIVE 10; Limb-girdle muscular dystrophy, type 2J. Identifiers: Orphanet 140922, MedGen C1837342, MONDO:0012127, OMIM 608807.
Dilated cardiomyopathy 1G (CMD1G). Identifiers: Orphanet 154, MedGen C1858763, MONDO:0011400, OMIM 604145.

Allele frequency attached by ClinVar (database versions not stated): ExAC 0.00001; gnomAD 0.00001; gnomAD exomes 0.00001 and 0.00002; TOPMed 0.00002; ESP Exome Variant Server 0.00008.
gnomAD v4.1: 12 of 1,613,880 alleles (0.00074%); highest among the groups gnomAD compares: Non-Finnish European, 0.001%; no homozygotes.

Submissions (8):

Labcorp Genetics (formerly Invitae), Labcorp
Classification: Uncertain significance for Dilated cardiomyopathy 1G; Autosomal recessive limb-girdle muscular dystrophy type 2J. Last evaluated: 2025-01-01. Review status: criteria provided, single submitter. Criteria: Invitae Variant Classification Sherloc (09022015). Collection method: clinical testing. Allele origin: germline.
Comment: This sequence change replaces glutamic acid, which is acidic and polar, with lysine, which is basic and polar, at codon 35865 of the TTN protein (p.Glu35865Lys). This variant is present in population databases (rs372841288, gnomAD 0.004%). This variant has not been reported in the literature in individuals affected with TTN-related conditions. ClinVar contains an entry for this variant (Variation ID: 502239). Experimental studies and prediction algorithms are not available or were not evaluated, and the functional significance of this variant is currently unknown. This variant is located in the M band of TTN (PMID: 25589632). Non-truncating variants in this region may be relevant for neuromuscular disorders, but have not been definitively shown to cause cardiomyopathy (PMID: 23975875). In summary, the available evidence is currently insufficient to determine the role of this variant in disease. Therefore, it has been classified as a Variant of Uncertain Significance.

GeneDx
Classification: Uncertain significance. Last evaluated: 2024-05-07. Review status: criteria provided, single submitter. Criteria: GeneDx Variant Classification Process June 2021. Collection method: clinical testing. Allele origin: germline. Affected: yes.
Comment: Reported as c.99889G>A in alternate transcript in patient with unspecified cardiomyopathy in published literature; however, no further clinical information was provided (PMID: 30847666); Located in the M-line region of TTN in which the majority of loss of function variants have been associated with autosomal recessive titinopathies (Carmignac et al., 2007); Not observed at significant frequency in large population cohorts (gnomAD); Missense variant in a gene in which most reported pathogenic variants are truncating/loss of function; This variant is associated with the following publications: (PMID: 30847666)

Revvity Omics, Revvity
Classification: Uncertain significance. Last evaluated: 2022-03-25. Review status: criteria provided, single submitter. Criteria: ACMG Guidelines, 2015. Collection method: clinical testing. Allele origin: germline.

Ambry Genetics
Classification: Uncertain significance for Cardiovascular phenotype. Last evaluated: 2019-07-15. Review status: criteria provided, single submitter. Criteria: Ambry Variant Classification Scheme 2023. Collection method: clinical testing. Allele origin: germline.
Comment: The p.E26800K variant (also known as c.80398G>A), located in coding exon 189 of the TTN gene, results from a G to A substitution at nucleotide position 80398. The glutamic acid at codon 26800 is replaced by lysine, an amino acid with similar properties. This amino acid position is not well conserved in available vertebrate species. In addition, this alteration is predicted to be tolerated by in silico analysis. Since supporting evidence is limited at this time, the clinical significance of this alteration remains unclear.

Eurofins Ntd Llc (ga)
Classification: Uncertain significance. Last evaluated: 2017-05-25. Review status: criteria provided, single submitter. Criteria: EGL Classification Definitions 2015. Collection method: clinical testing. Allele origin: germline. Observed: 1 variant allele, 1 heterozygote.

Clinical Genetics DNA and cytogenetics Diagnostics Lab, Erasmus MC, Erasmus Medical Center
Classification: Uncertain significance. Review status: no assertion criteria provided. Collection method: clinical testing. Allele origin: germline. Affected: yes. Study: VKGL Data-share Consensus. Not counted in ClinVar's aggregate classification.

Clinical Genetics, Academic Medical Center
Classification: Uncertain significance. Review status: no assertion criteria provided. Collection method: clinical testing. Allele origin: germline. Affected: yes. Study: VKGL Data-share Consensus. Not counted in ClinVar's aggregate classification.

Diagnostic Laboratory, Department of Genetics, University Medical Center Groningen
Classification: Uncertain significance. Review status: no assertion criteria provided. Collection method: clinical testing. Allele origin: germline. Affected: yes. Study: VKGL Data-share Consensus. Not counted in ClinVar's aggregate classification.

Literature cited by the submitters: PubMed 25589632 (cited by Labcorp Genetics (formerly Invitae), Labcorp); PubMed 23975875 (cited by Labcorp Genetics (formerly Invitae), Labcorp).